The following is an entry in ClinVar:

ClinVar aggregate classification (germline): Benign (1 of 4 stars; one submission).

Allele frequency attached by ClinVar (database versions not stated): 1000 Genomes Project 30x 0.00172; 1000 Genomes Project 0.00180; ExAC 0.00382; gnomAD 0.00473; ESP Exome Variant Server 0.00548; gnomAD exomes 0.00631.
gnomAD v4.1: 9,493 of 1,551,270 alleles (0.61%); highest among the groups gnomAD compares: Non-Finnish European, 0.7%; 47 homozygotes.

Submission:

CeGaT Center for Human Genetics Tuebingen
Classification: Benign. Last evaluated: 2022-07-01. Review status: criteria provided, single submitter. Criteria: CeGaT Center For Human Genetics Tuebingen Variant Classification Criteria Version 2. Collection method: clinical testing. Allele origin: germline. Affected: yes. Observed: 1 variant allele.
Comment: SYCE3: BP4, BS1, BS2

NM_001123225.3(SYCE3):c.199G>A (p.Val67Ile)

Gene: SYCE3 (synaptonemal complex central element protein 3; minus strand). Cytogenetic location: 22q13.33.
Variant type: single nucleotide variant.
Coding change: c.199G>A on transcript NM_001123225.3 (MANE Select); coding-DNA position 199, G replaced by A.
Protein change: p.Val67Ile; replaces valine 67 with isoleucine.
Molecular consequence: missense variant.
Genome position (GRCh38, 1-based): chr22:50,551,313, C>T on the plus strand (G>A on the coding strand, the complement: SYCE3 is on the minus strand). VCF-style: chr22-50551313-C-T. GRCh37 (hg19) VCF-style: chr22-50989742-C-T.
Other names: short protein forms V67I.
Identifiers: ClinVar variation 2653406 (VCV002653406.24), dbSNP rs55829948, ClinGen allele CA10322554.